The following is an entry in ClinVar:

ClinVar aggregate classification (germline): Likely benign (1 of 4 stars; one submission).

gnomAD v4.1: 3 of 1,609,404 alleles (0.00019%); highest among the groups gnomAD compares: Non-Finnish European, 0.00017%; no homozygotes.

Submission:

Women's Health and Genetics/Laboratory Corporation of America, LabCorp
Classification: Likely benign. Last evaluated: 2024-10-08. Review status: criteria provided, single submitter. Criteria: LabCorp Variant Classification Summary - May 2015. Collection method: clinical testing. Allele origin: germline.
Comment: Variant summary: SMARCA2 c.3457-19A>G alters a non-conserved nucleotide located at a position not widely known to affect splicing. Consensus agreement among computation tools predict no significant impact on normal splicing. However, these predictions have yet to be confirmed by functional studies. The variant was absent in 247446 control chromosomes. The available data on variant occurrences in the general population are insufficient to allow any conclusion about variant significance. To our knowledge, no occurrence of c.3457-19A>G in individuals affected with Nicolaides-Baraitser Syndrome and no experimental evidence demonstrating its impact on protein function have been reported. No submitters have cited clinical-significance assessments for this variant to ClinVar. Based on the evidence outlined above, the variant was classified as likely benign.

NM_003070.5(SMARCA2):c.3457-19A>G

Gene: SMARCA2 (SWI/SNF related BAF chromatin remodeling complex subunit ATPase 2; plus strand). Cytogenetic location: 9p24.3.
Variant type: single nucleotide variant.
Coding change: c.3457-19A>G on transcript NM_003070.5 (MANE Select); 19 bases into the intron before coding-DNA position 3457, A replaced by G.
Molecular consequence: intron variant.
Genome position (GRCh38, 1-based): chr9:2,115,803, A>G. VCF-style: chr9-2115803-A-G. GRCh37 (hg19) VCF-style: chr9-2115803-A-G.
Other names: c.3457-19A>G (NM_139045.4, NM_001289396.2); c.3283-19A>G (NM_001289397.2).
Identifiers: ClinVar variation 3384871 (VCV003384871.1).